The following is an entry in ClinVar:

ClinVar aggregate classification (germline): Uncertain significance. Review status: criteria provided, multiple submitters, no conflicts (2 of 4 stars). 2 submissions from 2 submitters: Uncertain significance (2). Last evaluated 2023-08-04.

Conditions:
Fetal akinesia deformation sequence 1 (FADS1). Also called: Pena-Shokeir syndrome type I; Fetal akinesia sequence. Identifiers: Orphanet 994, MedGen C1276035, MONDO:0100101, OMIM 208150, HP:0001989.
Congenital myasthenic syndrome 9. Also called: Myasthenic syndrome, congenital, 9, associated with acetylcholine receptor deficiency. Identifiers: Orphanet 590, MedGen C4225368, MONDO:0014587, OMIM 616325.
Inborn genetic diseases. Identifiers: MedGen C0950123, MeSH D030342.

Allele frequency attached by ClinVar (database versions not stated): gnomAD exomes 0.00001; ExAC 0.00002.
gnomAD v4.1: 25 of 1,613,926 alleles (0.0015%); highest among the groups gnomAD compares: Admixed American, 0.0033%; no homozygotes.

Submissions (2):

Ambry Genetics
Classification: Uncertain significance for Inborn genetic diseases. Last evaluated: 2023-08-04. Review status: criteria provided, single submitter. Criteria: Ambry Variant Classification Scheme 2023. Collection method: clinical testing. Allele origin: germline.

Labcorp Genetics (formerly Invitae), Labcorp
Classification: Uncertain significance for Congenital myasthenic syndrome 9; Fetal akinesia deformation sequence 1. Last evaluated: 2022-06-27. Review status: criteria provided, single submitter. Criteria: Invitae Variant Classification Sherloc (09022015). Collection method: clinical testing. Allele origin: germline.
Comment: This sequence change replaces glutamic acid, which is acidic and polar, with lysine, which is basic and polar, at codon 425 of the MUSK protein (p.Glu425Lys). This variant is present in population databases (rs745722798, gnomAD 0.003%). This variant has not been reported in the literature in individuals affected with MUSK-related conditions. Advanced modeling of protein sequence and biophysical properties (such as structural, functional, and spatial information, amino acid conservation, physicochemical variation, residue mobility, and thermodynamic stability) performed at Invitae indicates that this missense variant is not expected to disrupt MUSK protein function. In summary, the available evidence is currently insufficient to determine the role of this variant in disease. Therefore, it has been classified as a Variant of Uncertain Significance.

NM_005592.4(MUSK):c.1273G>A (p.Glu425Lys)

Gene: MUSK (muscle associated receptor tyrosine kinase; plus strand). Cytogenetic location: 9q31.3.
Variant type: single nucleotide variant.
Coding change: c.1273G>A on transcript NM_005592.4 (MANE Select); coding-DNA position 1273, G replaced by A.
Protein change: p.Glu425Lys; replaces glutamic acid 425 with lysine.
Molecular consequence: missense variant.
Genome position (GRCh38, 1-based): chr9:110,775,876, G>A. VCF-style: chr9-110775876-G-A. GRCh37 (hg19) VCF-style: chr9-113538156-G-A.
Other names: c.1039G>A, p.Glu347Lys (NM_001166280.2); c.1009G>A, p.Glu337Lys (NM_001166281.2); c.37G>A, p.Glu13Lys (NM_001369398.1); c.1273G>A (NM_005592.3); short protein forms E13K, E347K, E337K, E425K.
Identifiers: ClinVar variation 1398413 (VCV001398413.7), dbSNP rs745722798, ClinGen allele CA5184315.